The following is an entry in ClinVar:

ClinVar aggregate classification (germline): Uncertain significance (1 of 4 stars; one submission).

gnomAD v4.1: 1 of 1,611,968 alleles (0.000062%); highest among the groups gnomAD compares: Admixed American, 0.0017%; no homozygotes.

Submission:

Ambry Genetics
Classification: Uncertain significance. Last evaluated: 2025-03-31. Review status: criteria provided, single submitter. Criteria: Ambry Variant Classification Scheme 2023. Collection method: clinical testing. Allele origin: germline.
Comment: The p.D51E variant (also known as c.153T>G), located in coding exon 3 of the RINT1 gene, results from a T to G substitution at nucleotide position 153. The aspartic acid at codon 51 is replaced by glutamic acid, an amino acid with highly similar properties. This amino acid position is conserved. In addition, this alteration is predicted to be tolerated by in silico analysis. Based on the available evidence, the clinical significance of this variant remains unclear.

NM_021930.6(RINT1):c.153T>G (p.Asp51Glu)

Gene: RINT1 (RAD50 interactor 1; plus strand). Cytogenetic location: 7q22.3.
Variant type: single nucleotide variant.
Coding change: c.153T>G on transcript NM_021930.6 (MANE Select); coding-DNA position 153, T replaced by G.
Protein change: p.Asp51Glu; replaces aspartic acid 51 with glutamic acid.
Molecular consequence: missense variant. On other transcripts: 5 prime UTR variant (3), non-coding transcript variant (1), intron variant (1).
Genome position (GRCh38, 1-based): chr7:105,536,629, T>G. VCF-style: chr7-105536629-T-G. GRCh37 (hg19) VCF-style: chr7-105177076-T-G.
Other names: c.-867T>G (NM_001346600.2); c.-770T>G (NM_001346601.2); c.-390T>G (NM_001346603.2); c.39+17T>G (NM_001346599.2); short protein forms D51E.
Identifiers: ClinVar variation 3945976 (VCV003945976.1).
Genomic context (GRCh38, chr7:105,536,629, plus strand): 5'-CATAAATGTTACAGTTCTTATTGGAAGTAAACAAGTCAGTGAAGGTACAGATAATGGTGA[T>G]CTCCCTTCTTATGTGTCTGCATTCATAGAAAAGGAAGTTGGAAATGACCTTAAATCTTTA-3'
Protein context (NP_068749.3, residues 41-61): KQVSEGTDNG[Asp51Glu]LPSYVSAFIE